The following is an entry in ClinVar:

NM_032242.4(PLXNA1):c.4818C>T (p.Ser1606=)

Gene: PLXNA1 (plexin A1; plus strand). Cytogenetic location: 3q21.3.
Variant type: single nucleotide variant.
Coding change: c.4818C>T on transcript NM_032242.4 (MANE Select); coding-DNA position 4818, C replaced by T.
Protein change: p.Ser1606=; no amino-acid change (serine 1606 retained).
Molecular consequence: synonymous variant.
Genome position (GRCh38, 1-based): chr3:127,029,484, C>T. VCF-style: chr3-127029484-C-T. GRCh37 (hg19) VCF-style: chr3-126748327-C-T.
Identifiers: ClinVar variation 3054307 (VCV003054307.2), dbSNP rs373963359, ClinGen allele CA2594513.
Genomic context (GRCh38, chr3:127,029,484, plus strand): 5'-GGCCCTCTGCCCACAGGTGACAGACGGGTCCTCGGTGGCACTGGTGCCCAAGCAGACGTC[C>T]GCCTACAACATCTCCAACTCCTCCACCTTCACCAAGTCCCTCAGCAGATACGGTGAGGGG-3'
Protein context (NP_115618.3, residues 1596-1616): SSVALVPKQT[Ser1606=]AYNISNSSTF

ClinVar aggregate classification (germline): Likely benign (0 of 4 stars; one submission).

Conditions:
PLXNA1-related disorder. Also called: PLXNA1-related condition.

Allele frequency attached by ClinVar (database versions not stated): TOPMed 0.00007; ESP Exome Variant Server 0.00008; gnomAD 0.00010; gnomAD exomes 0.00013; ExAC 0.00016.

Submission:

PreventionGenetics, part of Exact Sciences
Classification: Likely benign for PLXNA1-related condition. Last evaluated: 2023-05-22. Review status: no assertion criteria provided. Collection method: clinical testing. Allele origin: germline.
Comment: This variant is classified as likely benign based on ACMG/AMP sequence variant interpretation guidelines (Richards et al. 2015 PMID: 25741868, with internal and published modifications).